The following is an entry in ClinVar:

ClinVar aggregate classification (germline): Benign/Likely benign. Review status: criteria provided, multiple submitters, no conflicts (2 of 4 stars). 4 submissions from 4 submitters: Benign (1); Likely benign (3). Last evaluated 2025-08-19.

Conditions:
OTOG-related disorder. Also called: OTOG-related condition.

Allele frequency attached by ClinVar (database versions not stated): TOPMed 0.00013; 1000 Genomes Project 0.00020; gnomAD exomes 0.00029 and 0.00070; 1000 Genomes Project 30x 0.00031; ExAC 0.00047; gnomAD 0.00140.
gnomAD v4.1: 491 of 1,550,518 alleles (0.032%); highest among the groups gnomAD compares: Middle Eastern, 0.017%; 2 homozygotes.

Submissions (4):

PreventionGenetics, part of Exact Sciences
Classification: Likely benign for OTOG-related condition. Last evaluated: 2025-08-19. Review status: criteria provided, single submitter. Criteria: ACMG Guidelines, 2015. Collection method: clinical testing. Allele origin: germline.
Comment: This variant is classified as likely benign based on ACMG/AMP sequence variant interpretation guidelines (Richards et al. 2015 PMID: 25741868, with internal and published modifications).

Labcorp Genetics (formerly Invitae), Labcorp
Classification: Likely benign. Last evaluated: 2025-08-07. Review status: criteria provided, single submitter. Criteria: Invitae Variant Classification Sherloc (09022015). Collection method: clinical testing. Allele origin: germline.

Blueprint Genetics
Classification: Likely benign. Last evaluated: 2024-11-22. Review status: criteria provided, single submitter. Criteria: ACMG Guidelines, 2015. Collection method: clinical testing. Allele origin: germline.

Laboratory for Molecular Medicine, Mass General Brigham Personalized Medicine
Classification: Benign. Last evaluated: 2019-02-01. Review status: criteria provided, single submitter. Criteria: LMM Criteria. Collection method: clinical testing. Allele origin: germline. Observed: 1 variant allele.
Comment: The p.Asn116Ser variant in OTOG is classified as benign because it has been identified in 0.5% (100/19522) of Finnish chromosomes by gnomAD. ACMG/AMP Criteria applied: BA1.

NM_001292063.2(OTOG):c.311A>G (p.Asn104Ser)

Gene: OTOG (otogelin; plus strand). Cytogenetic location: 11p15.1.
Variant type: single nucleotide variant.
Coding change: c.311A>G on transcript NM_001292063.2 (MANE Select); coding-DNA position 311, A replaced by G.
Protein change: p.Asn104Ser; replaces asparagine 104 with serine.
Molecular consequence: missense variant.
Genome position (GRCh38, 1-based): chr11:17,553,137, A>G. VCF-style: chr11-17553137-A-G. GRCh37 (hg19) VCF-style: chr11-17574684-A-G.
Other names: c.347A>G, p.Asn116Ser (NM_001277269.2); short protein forms N116S, N104S.
Identifiers: ClinVar variation 666633 (VCV000666633.17), dbSNP rs534942001, ClinGen allele CA5905336.